The following is an entry in ClinVar:

ClinVar aggregate classification (germline): Uncertain significance (1 of 4 stars; one submission).

Allele frequency attached by ClinVar (database versions not stated): gnomAD exomes below 0.00001; TOPMed below 0.00001.
gnomAD v4.1: 1 of 1,613,952 alleles (0.000062%); highest among the groups gnomAD compares: Non-Finnish European, 0.000085%; no homozygotes.

Submission:

Labcorp Genetics (formerly Invitae), Labcorp
Classification: Uncertain significance. Last evaluated: 2022-08-13. Review status: criteria provided, single submitter. Criteria: Invitae Variant Classification Sherloc (09022015). Collection method: clinical testing. Allele origin: germline.
Comment: In summary, the available evidence is currently insufficient to determine the role of this variant in disease. Therefore, it has been classified as a Variant of Uncertain Significance. Advanced modeling of protein sequence and biophysical properties (such as structural, functional, and spatial information, amino acid conservation, physicochemical variation, residue mobility, and thermodynamic stability) performed at Invitae indicates that this missense variant is not expected to disrupt FAT4 protein function. This variant has not been reported in the literature in individuals affected with FAT4-related conditions. This variant is not present in population databases (gnomAD no frequency). This sequence change replaces serine, which is neutral and polar, with leucine, which is neutral and non-polar, at codon 1235 of the FAT4 protein (p.Ser1235Leu).

NM_001291303.3(FAT4):c.3704C>T (p.Ser1235Leu)

Gene: FAT4 (FAT atypical cadherin 4; plus strand). Cytogenetic location: 4q28.1.
Variant type: single nucleotide variant.
Coding change: c.3704C>T on transcript NM_001291303.3 (MANE Select); coding-DNA position 3704, C replaced by T.
Protein change: p.Ser1235Leu; replaces serine 1235 with leucine.
Molecular consequence: missense variant.
Genome position (GRCh38, 1-based): chr4:125,320,115, C>T. VCF-style: chr4-125320115-C-T. GRCh37 (hg19) VCF-style: chr4-126241270-C-T.
Other names: c.3704C>T, p.Ser1235Leu (NM_001291285.3, NM_024582.6); short protein forms S1235L.
Identifiers: ClinVar variation 2113328 (VCV002113328.2), dbSNP rs1730868648, ClinGen allele CA358124561.